The following is an entry in ClinVar:

ClinVar aggregate classification (germline): Uncertain significance. Review status: criteria provided, multiple submitters, no conflicts (2 of 4 stars). 7 submissions from 7 submitters: Uncertain significance (7). Last evaluated 2026-09-23.

Conditions:
Brugada syndrome. Also called: Sudden unexpected nocturnal death syndrome; Sudden Unexplained Death Syndrome; Sudden Unexplained Nocturnal Death Syndrome (SUNDS); Sudden unexplained nocturnal death syndrome. Identifiers: Orphanet 130, MedGen C1142166, MONDO:0015263.
SCN10A-related disorder. Also called: SCN10A-related condition.
Cardiovascular phenotype. Identifiers: MedGen CN230736.

Allele frequency attached by ClinVar (database versions not stated): gnomAD 0.00003; TOPMed 0.00003.
gnomAD v4.1: 98 of 1,609,904 alleles (0.0061%); highest among the groups gnomAD compares: Non-Finnish European, 0.007%; no homozygotes.

Submissions (7):

PreventionGenetics, part of Exact Sciences
Classification: Uncertain significance for SCN10A-related condition. Last evaluated: 2026-09-23. Review status: criteria provided, single submitter. Criteria: ACMG Guidelines, 2015. Collection method: clinical testing. Allele origin: germline.
Comment: The SCN10A c.445C>T variant is predicted to result in premature protein termination (p.Arg149*). To our knowledge, this variant has not been reported in the literature. Loss-of-function is not an established mechanism of SCN10A-related disease. This variant is reported in 0.0040% of alleles in individuals of European (Finnish) descent in gnomAD. At this time, the clinical significance of this variant is uncertain due to the absence of conclusive functional and genetic evidence.

Labcorp Genetics (formerly Invitae), Labcorp
Classification: Uncertain significance for Brugada syndrome. Last evaluated: 2025-02-05. Review status: criteria provided, single submitter. Criteria: Invitae Variant Classification Sherloc (09022015). Collection method: clinical testing. Allele origin: germline.
Comment: This sequence change creates a premature translational stop signal (p.Arg149*) in the SCN10A gene. It is expected to result in an absent or disrupted protein product. However, the current clinical and genetic evidence is not sufficient to establish whether loss-of-function variants in SCN10A cause disease. The frequency data for this variant in the population databases is considered unreliable, as metrics indicate poor data quality at this position in the gnomAD database. This variant has not been reported in the literature in individuals affected with SCN10A-related conditions. ClinVar contains an entry for this variant (Variation ID: 809466). In summary, the available evidence is currently insufficient to determine the role of this variant in disease. Therefore, it has been classified as a Variant of Uncertain Significance.

Women's Health and Genetics/Laboratory Corporation of America, LabCorp
Classification: Uncertain significance. Last evaluated: 2025-01-23. Review status: criteria provided, single submitter. Criteria: LabCorp Variant Classification Summary - May 2015. Collection method: clinical testing. Allele origin: germline.
Comment: Variant summary: SCN10A c.445C>T (p.Arg149X) results in a premature termination codon, predicted to cause a truncation of the encoded protein or absence of the protein due to nonsense mediated decay, however current evidence is not sufficient to establish loss of function as a mechanism for disease. The variant allele was found at a frequency of 2.4e-05 in 250908 control chromosomes. The available data on variant occurrences in the general population are insufficient to allow any conclusion about variant significance. To our knowledge, no occurrence of c.445C>T in individuals affected with SCN10A-related conditions and no experimental evidence demonstrating its impact on protein function have been reported. ClinVar contains an entry for this variant (Variation ID: 809466). Based on the evidence outlined above, the variant was classified as uncertain significance.

Ambry Genetics
Classification: Uncertain significance for Cardiovascular phenotype. Last evaluated: 2024-09-24. Review status: criteria provided, single submitter. Criteria: Ambry Variant Classification Scheme 2023. Collection method: clinical testing. Allele origin: germline.
Comment: The p.R149* variant (also known as c.445C>T), located in coding exon 3 of the SCN10A gene, results from a C to T substitution at nucleotide position 445. This changes the amino acid from an arginine to a stop codon within coding exon 3. This alteration is expected to result in protein truncation or nonsense-mediated mRNA decay. However, loss of function of SCN10A has not been established as a mechanism of disease. The evidence for this gene-disease relationship is limited; therefore, the clinical significance of this alteration is unclear.

Mayo Clinic Laboratories, Mayo Clinic
Classification: Uncertain significance. Last evaluated: 2024-08-02. Review status: criteria provided, single submitter. Criteria: ACMG Guidelines, 2015. Collection method: clinical testing. Allele origin: germline. Observed: 1 variant allele.
Comment: BP5

GeneDx
Classification: Uncertain significance. Last evaluated: 2019-04-24. Review status: criteria provided, single submitter. Criteria: GeneDx Variant Classification Process June 2021. Collection method: clinical testing. Allele origin: germline. Affected: yes.
Comment: Has not been previously published as pathogenic or benign to our knowledge; Not observed at a significant frequency in large population cohorts (Lek et al., 2016); Nonsense variant predicted to result in nonsense mediated decay in a gene for which loss-of-function is not a known mechanism of disease; The majority of variants in SCN10A reported in HGMD are missense variants (Stenson et al., 2014)

CeGaT Center for Human Genetics Tuebingen
Classification: Uncertain significance. Last evaluated: 2017-01-01. Review status: criteria provided, single submitter. Criteria: CeGaT Center For Human Genetics Tuebingen Variant Classification Criteria Version 2. Collection method: clinical testing. Allele origin: germline. Affected: yes. Observed: 1 variant allele.

NM_006514.4(SCN10A):c.445C>T (p.Arg149Ter)

Gene: SCN10A (sodium voltage-gated channel alpha subunit 10; minus strand). Cytogenetic location: 3p22.2.
Variant type: single nucleotide variant.
Coding change: c.445C>T on transcript NM_006514.4 (MANE Select); coding-DNA position 445, C replaced by T.
Protein change: p.Arg149Ter; replaces arginine 149 with a stop codon.
Molecular consequence: nonsense.
Genome position (GRCh38, 1-based): chr3:38,788,981, G>A on the plus strand (C>T on the coding strand, the complement: SCN10A is on the minus strand). VCF-style: chr3-38788981-G-A. GRCh37 (hg19) VCF-style: chr3-38830472-G-A.
Other names: p.Arg149*; c.445C>T (NM_006514.3); c.445C>T, p.Arg149Ter (NM_001293306.2, NM_001293307.2); short protein forms R149*.
Identifiers: ClinVar variation 809466 (VCV000809466.51), dbSNP rs745868315, ClinGen allele CA2321205.
Genomic context (GRCh38, chr3:38,788,981, plus strand): 5'-AGAGATGGTACAATAATGATAGCAAATCTACTCACTCAATTTTCTCTGGAAGGTCAGTTC[G>A]GGTCATGCACACACAATTAACCAAAATAGTGACCGTAATAAATAAACTGAACCACCTGAA-3'